The following is an entry in ClinVar:

ClinVar aggregate classification (germline): Conflicting classifications of pathogenicity. Review status: criteria provided, conflicting classifications (1 of 4 stars). 3 submissions from 3 submitters: Uncertain significance (2); Likely benign (1). Last evaluated 2025-08-02.

Conditions:
Inborn genetic diseases. Identifiers: MedGen C0950123, MeSH D030342.

Allele frequency attached by ClinVar (database versions not stated): gnomAD exomes 0.00002; TOPMed 0.00002; ExAC 0.00003; gnomAD 0.00003.
gnomAD v4.1: 38 of 1,610,490 alleles (0.0024%); highest among the groups gnomAD compares: Middle Eastern, 0.033%; no homozygotes.

Submissions (3):

Ambry Genetics
Classification: Uncertain significance for Inborn genetic diseases. Last evaluated: 2025-08-02. Review status: criteria provided, single submitter. Criteria: Ambry Variant Classification Scheme 2023. Collection method: clinical testing. Allele origin: germline.

Blueprint Genetics
Classification: Likely benign. Last evaluated: 2022-09-22. Review status: criteria provided, single submitter. Criteria: ACMG Guidelines, 2015. Collection method: clinical testing. Allele origin: germline.

Mayo Clinic Laboratories, Mayo Clinic
Classification: Uncertain significance. Last evaluated: 2022-02-15. Review status: criteria provided, single submitter. Criteria: ACMG Guidelines, 2015. Collection method: clinical testing. Allele origin: germline. Observed: 1 variant allele.
Comment: BP4, PM2

NM_003672.4(CDC14A):c.1436C>A (p.Ser479Tyr)

Gene: CDC14A (cell division cycle 14A; plus strand). Cytogenetic location: 1p21.2.
Variant type: single nucleotide variant.
Coding change: c.1436C>A on transcript NM_003672.4 (MANE Select); coding-DNA position 1436, C replaced by A.
Protein change: p.Ser479Tyr; replaces serine 479 with tyrosine.
Molecular consequence: missense variant.
Genome position (GRCh38, 1-based): chr1:100,498,943, C>A. VCF-style: chr1-100498943-C-A. GRCh37 (hg19) VCF-style: chr1-100964499-C-A.
Other names: p.Ser479Tyr; c.1436C>A, p.Ser479Tyr (NM_001319210.2, NM_033312.3); c.1262C>A, p.Ser421Tyr (NM_001319211.2); c.557C>A, p.Ser186Tyr (NM_001319212.2); short protein forms S186Y, S421Y, S479Y.
Identifiers: ClinVar variation 2683721 (VCV002683721.3), dbSNP rs771079139, ClinGen allele CA970901.
Genomic context (GRCh38, chr1:100,498,943, plus strand): 5'-ACATTGTTGTCTGTTTTTTCCCTCCTCACTTGTGTTTTCCATTCAGCTTTTCCATAAACT[C>A]CCGGCTAGCCAGTTCTCTAGGGAACTTGAATGCTGCAACAGATGATCCAGAGAACAAAAA-3'
Protein context (NP_003663.2, residues 469-489): GATVRSFSIN[Ser479Tyr]RLASSLGNLN